The following is an entry in ClinVar:

NM_005120.3(MED12):c.205-38C>T

Gene: MED12 (mediator complex subunit 12; plus strand). Cytogenetic location: Xq13.1.
Variant type: single nucleotide variant.
Coding change: c.205-38C>T on transcript NM_005120.3 (MANE Select); 38 bases into the intron before coding-DNA position 205, C replaced by T.
Molecular consequence: intron variant.
Genome position (GRCh38, 1-based): chrX:71,119,648, C>T. VCF-style: chrX-71119648-C-T. GRCh37 (hg19) VCF-style: chrX-70339498-C-T.
Identifiers: ClinVar variation 259633 (VCV000259633.5), dbSNP rs12850852, ClinGen allele CA10444015.

ClinVar aggregate classification (germline): Benign/Likely benign. Review status: criteria provided, multiple submitters, no conflicts (2 of 4 stars). 6 submissions from 4 submitters: Benign (4); Likely benign (2). Last evaluated 2021-09-05.

Conditions:
Blepharophimosis - intellectual disability syndrome, MKB type. Also called: X-Linked Ohdo Syndrome (XLOS); BLEPHAROPHIMOSIS-MENTAL RETARDATION SYNDROME, MAAT-KIEVIT-BRUNNER TYPE; Ohdo syndrome, X-linked. Identifiers: Orphanet 293707, MedGen C3698541, MONDO:0010477, OMIM 300895.
X-linked intellectual disability with marfanoid habitus. Also called: Lujan Syndrome (LS); X-linked mental retardation with marfanoid habitus syndrome; Lujan Syndrome; INTELLECTUAL DEVELOPMENTAL DISORDER, X-LINKED, SYNDROMIC, LUJAN-FRYNS TYPE. Identifiers: Orphanet 776, MedGen C0796022, MONDO:0010655, OMIM 309520.
FG syndrome 1 (OKS). Also called: FG Syndrome Type 1 (FGS1); OPITZ-KAVEGGIA SYNDROME; KELLER SYNDROME; MENTAL RETARDATION, LARGE HEAD, IMPERFORATE ANUS, CONGENITAL HYPOTONIA, AND PARTIAL AGENESIS OF CORPUS CALLOSUM. Identifiers: Orphanet 93932, MedGen C5399762, MONDO:0010590, OMIM 305450.

Allele frequency attached by ClinVar (database versions not stated): 1000 Genomes Project 0.11126; 1000 Genomes Project 30x 0.11488; TOPMed 0.20815; gnomAD 0.21650 and 0.22082; gnomAD exomes 0.22074 and 0.28793; ESP Exome Variant Server 0.23135; ExAC 0.23317.
gnomAD v4.1: 336,085 of 1,195,049 alleles (28%); highest among the groups gnomAD compares: Middle Eastern, 41%; 36,042 homozygotes.

Submissions (6):

Genome-Nilou Lab
Classification: Benign for X-linked intellectual disability with marfanoid habitus. Last evaluated: 2021-09-05. Review status: criteria provided, single submitter. Criteria: ACMG Guidelines, 2015. Collection method: clinical testing. Allele origin: germline. Affected: no.

Genome-Nilou Lab
Classification: Benign for Blepharophimosis - intellectual disability syndrome, MKB type. Last evaluated: 2021-09-05. Review status: criteria provided, single submitter. Criteria: ACMG Guidelines, 2015. Collection method: clinical testing. Allele origin: germline. Affected: no.

Genome-Nilou Lab
Classification: Benign for FG syndrome 1. Last evaluated: 2021-09-05. Review status: criteria provided, single submitter. Criteria: ACMG Guidelines, 2015. Collection method: clinical testing. Allele origin: germline. Affected: no.

GeneDx
Classification: Benign. Last evaluated: 2018-06-14. Review status: criteria provided, single submitter. Criteria: GeneDx Variant Classification (06012015). Collection method: clinical testing. Allele origin: germline. Affected: yes.
Comment: This variant is considered likely benign or benign based on one or more of the following criteria: it is a conservative change, it occurs at a poorly conserved position in the protein, it is predicted to be benign by multiple in silico algorithms, and/or has population frequency not consistent with disease.

Breakthrough Genomics
Classification: Likely benign. Review status: criteria provided, single submitter. Criteria: ACMG Guidelines, 2015. Collection method: not provided. Allele origin: germline. Inheritance: X-linked inheritance. Affected: yes.

PreventionGenetics, part of Exact Sciences
Classification: Likely benign. Review status: criteria provided, single submitter. Criteria: ACMG Guidelines, 2015. Collection method: clinical testing. Allele origin: germline.